The following is an entry in ClinVar:

ClinVar aggregate classification (germline): Uncertain significance. Review status: criteria provided, multiple submitters, no conflicts (2 of 4 stars). 2 submissions from 2 submitters: Uncertain significance (2). Last evaluated 2025-07-07.

Conditions:
Cardiomyopathy (CMYO). Also called: Cardiomyopathies. Identifiers: Orphanet 167848, MedGen C0878544, MONDO:0004994, HP:0001638. Inheritance: Various modes of inheritance.
Cardiovascular phenotype. Identifiers: MedGen CN230736.

gnomAD v4.1: 6 of 1,614,198 alleles (0.00037%); highest among the groups gnomAD compares: South Asian, 0.0066%; no homozygotes.

Submissions (2):

Color Diagnostics, LLC DBA Color Health
Classification: Uncertain significance for Cardiomyopathy. Last evaluated: 2025-07-07. Review status: criteria provided, single submitter. Criteria: ACMG Guidelines, 2015. Collection method: clinical testing. Allele origin: germline.
Comment: This missense variant replaces lysine with arginine at codon 663 of the DSP protein. Computational prediction suggests that this variant may not impact protein structure and function. To our knowledge, functional studies have not been reported for this variant. This variant has not been reported in individuals affected with DSP-related disorders in the literature. This variant has been identified in 3/251204 chromosomes in the general population by the Genome Aggregation Database (gnomAD). The available evidence is insufficient to determine the role of this variant in disease conclusively. Therefore, this variant is classified as a Variant of Uncertain Significance.

Ambry Genetics
Classification: Uncertain significance for Cardiovascular phenotype. Last evaluated: 2024-04-13. Review status: criteria provided, single submitter. Criteria: Ambry Variant Classification Scheme 2023. Collection method: clinical testing. Allele origin: germline.
Comment: The p.K663R variant (also known as c.1988A>G), located in coding exon 15 of the DSP gene, results from an A to G substitution at nucleotide position 1988. The lysine at codon 663 is replaced by arginine, an amino acid with highly similar properties. This amino acid position is conserved. In addition, this alteration is predicted to be tolerated by in silico analysis. Based on the available evidence, the clinical significance of this variant remains unclear.

NM_004415.4(DSP):c.1988A>G (p.Lys663Arg)

Gene: DSP (desmoplakin; plus strand). Cytogenetic location: 6p24.3.
Variant type: single nucleotide variant.
Coding change: c.1988A>G on transcript NM_004415.4 (MANE Select); coding-DNA position 1988, A replaced by G.
Protein change: p.Lys663Arg; replaces lysine 663 with arginine.
Molecular consequence: missense variant.
Genome position (GRCh38, 1-based): chr6:7,571,926, A>G. VCF-style: chr6-7571926-A-G. GRCh37 (hg19) VCF-style: chr6-7572159-A-G.
Other names: c.1988A>G, p.Lys663Arg (NM_001008844.3, NM_001319034.2); short protein forms K663R.
Identifiers: ClinVar variation 3273892 (VCV003273892.2).
Genomic context (GRCh38, chr6:7,571,926, plus strand): 5'-ATGGAACCTGCCAAGATGTCAACCATAATAAAGTAATTGAAACCAACAGAGAAAATGACA[A>G]GCAAGAAACATGGATGCTGATGGAGCTGCAGAAGATTCGCAGGCAGATAGAGCACTGCGA-3'
Protein context (NP_004406.2, residues 653-673): KVIETNREND[Lys663Arg]QETWMLMELQ